The following is an entry in ClinVar:

ClinVar aggregate classification (germline): Likely pathogenic (1 of 4 stars; one submission).

Conditions:
Neurodevelopmental disorder with infantile epileptic spasms. Identifiers: MedGen C5543538, MONDO:0859162, OMIM 619373.

Submission:

3billion
Classification: Likely pathogenic for Neurodevelopmental disorder with infantile epileptic spasms. Last evaluated: 2021-10-02. Review status: criteria provided, single submitter. Criteria: ACMG Guidelines, 2015. Collection method: clinical testing. Allele origin: unknown. Affected: yes. Observed: 1 heterozygote.
Comment: Frameshift: predicted to result in a loss or disruption of normal protein function through nonsense-mediated decay (NMD) or protein truncation. Multiple pathogenic variants are reported downstream of the variant (PVS1_VS). It is not observed in the gnomAD v2.1.1 dataset (PM2). Therefore, this variant is classified as likely pathogenic according to the recommendation of ACMG/AMP guideline.

NM_014284.3(NCDN):c.990dup (p.Glu331fs)

Gene: NCDN (neurochondrin; plus strand). Cytogenetic location: 1p34.3.
Variant type: Duplication.
Coding change: c.990dup on transcript NM_014284.3 (MANE Select); coding-DNA position 990, one base duplicated (A; older notation c.990dupA).
Protein change: p.Glu331fs; shifts the reading frame from glutamic acid 331.
Molecular consequence: frameshift variant.
Genome position (GRCh38, 1-based): chr1:35,561,141, A duplicated; the last of 3 consecutive A bases (chr1:35,561,139-35,561,141); duplicating any one gives the same sequence. VCF-style (leftmost placement, unchanged base first): chr1-35561138-G-GA. GRCh37 (hg19) VCF-style: chr1-36026739-G-GA.
Other names: c.990dup, p.Glu331fs (NM_001014839.2); c.939dup, p.Glu314fs (NM_001014841.2); short protein forms E314fs, E331fs.
Identifiers: ClinVar variation 1320191 (VCV001320191.1), dbSNP rs2148538021, ClinGen allele CA2573051560.